The following is an entry in ClinVar:

ClinVar aggregate classification (germline): Pathogenic (1 of 4 stars; one submission).

Submission:

Labcorp Genetics (formerly Invitae), Labcorp
Classification: Pathogenic. Last evaluated: 2023-11-30. Review status: criteria provided, single submitter. Criteria: Invitae Variant Classification Sherloc (09022015). Collection method: clinical testing. Allele origin: germline.
Comment: This sequence change creates a premature translational stop signal (p.Ile1251Serfs*12) in the MYO15A gene. It is expected to result in an absent or disrupted protein product. Loss-of-function variants in MYO15A are known to be pathogenic (PMID: 17546645). This variant is not present in population databases (gnomAD no frequency). This variant has not been reported in the literature in individuals affected with MYO15A-related conditions. For these reasons, this variant has been classified as Pathogenic.

Literature cited by the submitters: PubMed 17546645.

NM_016239.4(MYO15A):c.3750del (p.Ile1251fs)

Gene: MYO15A (myosin XVA; plus strand). Cytogenetic location: 17p11.2.
Variant type: Deletion.
Coding change: c.3750del on transcript NM_016239.4 (MANE Select); coding-DNA position 3750, one base deleted (C; older notation c.3750delC).
Protein change: p.Ile1251fs; shifts the reading frame from isoleucine 1251.
Molecular consequence: frameshift variant.
Genome position (GRCh38, 1-based): chr17:18,125,225, C deleted. VCF-style (leftmost placement, unchanged base first): chr17-18125224-TC-T. GRCh37 (hg19) VCF-style: chr17-18028538-TC-T.
Other names: short protein forms I1251fs.
Identifiers: ClinVar variation 2823502 (VCV002823502.3), dbSNP rs2545202147, ClinGen allele CA2739267206.